The following is an entry in ClinVar:

NM_007227.3(GPR45):c.89C>G (p.Pro30Arg)

Gene: GPR45 (G protein-coupled receptor 45; plus strand). Cytogenetic location: 2q12.1.
Variant type: single nucleotide variant.
Coding change: c.89C>G on transcript NM_007227.3 (MANE Select); coding-DNA position 89, C replaced by G.
Protein change: p.Pro30Arg; replaces proline 30 with arginine.
Molecular consequence: missense variant.
Genome position (GRCh38, 1-based): chr2:105,241,947, C>G. VCF-style: chr2-105241947-C-G. GRCh37 (hg19) VCF-style: chr2-105858404-C-G.
Other names: short protein forms P30R.
Identifiers: ClinVar variation 2959997 (VCV002959997.3), dbSNP rs1184025734, ClinGen allele CA348099313.

ClinVar aggregate classification (germline): Uncertain significance (1 of 4 stars; one submission).

Allele frequency attached by ClinVar (database versions not stated): gnomAD 0.00001; TOPMed 0.00001; gnomAD exomes 0.00003.

Submission:

Labcorp Genetics (formerly Invitae), Labcorp
Classification: Uncertain significance. Last evaluated: 2024-01-16. Review status: criteria provided, single submitter. Criteria: Invitae Variant Classification Sherloc (09022015). Collection method: clinical testing. Allele origin: germline.
Comment: This sequence change replaces proline, which is neutral and non-polar, with arginine, which is basic and polar, at codon 30 of the GPR45 protein (p.Pro30Arg). The frequency data for this variant in the population databases is considered unreliable, as metrics indicate poor data quality at this position in the gnomAD database. This variant has not been reported in the literature in individuals affected with GPR45-related conditions. An algorithm developed to predict the effect of missense changes on protein structure and function (PolyPhen-2) suggests that this variant is likely to be tolerated. In summary, the available evidence is currently insufficient to determine the role of this variant in disease. Therefore, it has been classified as a Variant of Uncertain Significance.